The following is an entry in ClinVar:

ClinVar aggregate classification (germline): Likely pathogenic (0 of 4 stars; one submission).

Conditions:
NKX2-5-related disorder. Also called: NKX2-5-related condition.

Submission:

PreventionGenetics, part of Exact Sciences
Classification: Likely pathogenic for NKX2-5-related condition. Last evaluated: 2024-07-16. Review status: no assertion criteria provided. Collection method: clinical testing. Allele origin: germline.
Comment: The NKX2-5 c.300delC variant is predicted to result in a frameshift and premature protein termination (p.Asp101Thrfs*75). To our knowledge, this variant has not been reported in the literature or in a large population database, indicating this variant is rare. Frameshift variants in NKX2-5 are expected to be pathogenic. This variant is interpreted as likely pathogenic.

NM_004387.4(NKX2-5):c.300del (p.Asp101fs)

Gene: NKX2-5 (NK2 homeobox 5; minus strand). Cytogenetic location: 5q35.1.
Variant type: Deletion.
Coding change: c.300del on transcript NM_004387.4 (MANE Select); coding-DNA position 300, one base deleted (C; older notation c.300delC).
Protein change: p.Asp101fs; shifts the reading frame from aspartic acid 101.
Molecular consequence: frameshift variant.
Genome position (GRCh38, 1-based): chr5:173,234,784, G deleted on the plus strand (C on the coding strand, the reverse complement: NKX2-5 is on the minus strand); the first of 4 consecutive G bases (chr5:173,234,784-173,234,787); deleting any one gives the same sequence. VCF-style (leftmost placement, unchanged base first): chr5-173234783-CG-C. GRCh37 (hg19) VCF-style: chr5-172661786-CG-C.
Other names: c.300del, p.Asp101fs (NM_001166175.2, NM_001166176.2); short protein forms D101fs.
Identifiers: ClinVar variation 3345518 (VCV003345518.1).